The following is an entry in ClinVar:

NM_152594.3(SPRED1):c.626_636del (p.Met209fs)

Gene: SPRED1 (sprouty related EVH1 domain containing 1; plus strand). Cytogenetic location: 15q14.
Variant type: Deletion.
Coding change: c.626_636del on transcript NM_152594.3 (MANE Select); coding-DNA positions 626 to 636, 11 bases deleted (TGGAATACGTA).
Protein change: p.Met209fs; shifts the reading frame from methionine 209.
Molecular consequence: frameshift variant.
Genome position (GRCh38, 1-based): chr15:38,349,465-38,349,475, TGGAATACGTA deleted; deleting any 11 consecutive bases within chr15:38,349,462-38,349,475 gives the same sequence; the c. name uses the placement nearest the transcript's 3' end. VCF-style (leftmost placement, unchanged base first): chr15-38349461-AGTATGGAATAC-A. GRCh37 (hg19) VCF-style: chr15-38641662-AGTATGGAATAC-A.
Other names: short protein forms M209fs.
Identifiers: ClinVar variation 2630858 (VCV002630858.1), dbSNP rs2542739288, ClinGen allele CA2695197208.

ClinVar aggregate classification (germline): Likely pathogenic (1 of 4 stars; one submission).

Conditions:
SPRED1-related disorder. Also called: SPRED1-related condition.

Submission:

PreventionGenetics, part of Exact Sciences
Classification: Likely pathogenic for SPRED1-related condition. Last evaluated: 2023-09-19. Review status: criteria provided, single submitter. Criteria: ACMG Guidelines, 2015. Collection method: clinical testing. Allele origin: germline.
Comment: The SPRED1 c.626_636del11 variant is predicted to result in a frameshift and premature protein termination (p.Met209Thrfs*16). To our knowledge, this variant has not been reported in the literature or in a large population database, indicating this variant is rare. Frameshift variants in SPRED1 are expected to be pathogenic. This variant is interpreted as likely pathogenic.